The following is an entry in ClinVar:

ClinVar aggregate classification (germline): Benign/Likely benign. Review status: criteria provided, multiple submitters, no conflicts (2 of 4 stars). 6 submissions from 6 submitters: Benign (2); Likely benign (3). 1 of the submissions does not count toward it. Last evaluated 2026-07-01.

Conditions:
AHDC1-related disorder. Also called: AHDC1-related condition.
AHDC1-related intellectual disability - obstructive sleep apnea - mild dysmorphism syndrome. Also called: Xia-Gibbs syndrome. Identifiers: Orphanet 412069, MedGen C4014419, MONDO:0014358, OMIM 615829.

Allele frequency attached by ClinVar (database versions not stated): gnomAD exomes 0.00008 and 0.00023; 1000 Genomes Project 30x 0.00016; 1000 Genomes Project 0.00020; ExAC 0.00023; ESP Exome Variant Server 0.00054; gnomAD 0.00071 and 0.00074; TOPMed 0.00087.
gnomAD v4.1: 218 of 1,613,744 alleles (0.014%); highest among the groups gnomAD compares: African/African-American, 0.25%; 2 homozygotes.

Submissions (6):

CeGaT Center for Human Genetics Tuebingen
Classification: Likely benign. Last evaluated: 2026-07-01. Review status: criteria provided, single submitter. Criteria: CeGaT Center For Human Genetics Tuebingen Variant Classification Criteria Version 2. Collection method: clinical testing. Allele origin: germline. Affected: yes. Observed: 3 variant alleles.
Comment: AHDC1: BP4, BP7

Labcorp Genetics (formerly Invitae), Labcorp
Classification: Likely benign. Last evaluated: 2025-09-07. Review status: criteria provided, single submitter. Criteria: Invitae Variant Classification Sherloc (09022015). Collection method: clinical testing. Allele origin: germline.

Genome-Nilou Lab
Classification: Benign for AHDC1-related intellectual disability - obstructive sleep apnea - mild dysmorphism syndrome. Last evaluated: 2021-12-05. Review status: criteria provided, single submitter. Criteria: ACMG Guidelines, 2015. Collection method: clinical testing. Allele origin: germline. Affected: no.

GeneDx
Classification: Benign. Last evaluated: 2020-07-15. Review status: criteria provided, single submitter. Criteria: GeneDx Variant Classification Process June 2021. Collection method: clinical testing. Allele origin: germline. Affected: yes.

Breakthrough Genomics
Classification: Likely benign. Review status: criteria provided, single submitter. Criteria: ACMG Guidelines, 2015. Collection method: not provided. Allele origin: germline. Inheritance: Autosomal dominant inheritance. Affected: yes.

PreventionGenetics, part of Exact Sciences
Classification: Likely benign for AHDC1-related condition. Last evaluated: 2020-12-24. Review status: no assertion criteria provided. Collection method: clinical testing. Allele origin: germline. Not counted in ClinVar's aggregate classification.
Comment: This variant is classified as likely benign based on ACMG/AMP sequence variant interpretation guidelines (Richards et al. 2015 PMID: 25741868, with internal and published modifications).

NM_001371928.1(AHDC1):c.726C>T (p.Ala242=)

Gene: AHDC1 (AT-hook DNA binding motif containing 1; minus strand). Cytogenetic location: 1p36.11.
Variant type: single nucleotide variant.
Coding change: c.726C>T on transcript NM_001371928.1 (MANE Select); coding-DNA position 726, C replaced by T.
Protein change: p.Ala242=; no amino-acid change (alanine 242 retained).
Molecular consequence: synonymous variant.
Genome position (GRCh38, 1-based): chr1:27,551,390, G>A on the plus strand (C>T on the coding strand, the complement: AHDC1 is on the minus strand). VCF-style: chr1-27551390-G-A. GRCh37 (hg19) VCF-style: chr1-27877901-G-A.
Other names: c.726C>T, p.Ala242= (NM_001029882.3); c.726C>T (NM_001029882.2).
Identifiers: ClinVar variation 789919 (VCV000789919.37), dbSNP rs142598186, ClinGen allele CA716094.
Genomic context (GRCh38, chr1:27,551,390, plus strand): 5'-CTGGGCCTCTAGCAGCTGGGCCTCTGGGCAAGTGAGGGAGGCCAGCTCACTAAGGATGTC[G>A]GCGTCAGCAAGTTCTGAGTAATCAGTGCTGTCTGGCTCAGGCTCTGGGGGCAGACCCGTG-3'
Protein context (NP_001358857.1, residues 232-252): DSTDYSELAD[Ala242=]DILSELASLT